The following is an entry in ClinVar:

ClinVar aggregate classification (germline): Likely pathogenic (1 of 4 stars; one submission).

Conditions:
Leukodystrophy, hypomyelinating, 24 (HLD24). Identifiers: MedGen C5676974, MONDO:0859242, OMIM 619851.

Submission:

MVZ Medizinische Genetik Mainz
Classification: Likely pathogenic for Leukodystrophy, hypomyelinating, 24. Last evaluated: 2026-01-15. Review status: criteria provided, single submitter. Criteria: UK Practice Guidelines For Variant Classification V4 01 2020. Collection method: clinical testing. Allele origin: germline. Inheritance: Autosomal dominant inheritance. Affected: yes. Observed: 1 variant allele.
Comment: ACMG Criteria: PP3_STR,PM2_SUP

NM_015205.3(ATP11A):c.554G>A (p.Gly185Glu)

Gene: ATP11A (ATPase phospholipid transporting 11A; plus strand). Cytogenetic location: 13q34.
Variant type: single nucleotide variant.
Coding change: c.554G>A on transcript NM_015205.3 (MANE Select); coding-DNA position 554, G replaced by A.
Protein change: p.Gly185Glu; replaces glycine 185 with glutamic acid.
Molecular consequence: missense variant.
Genome position (GRCh38, 1-based): chr13:112,816,195, G>A. VCF-style: chr13-112816195-G-A. GRCh37 (hg19) VCF-style: chr13-113470509-G-A.
Other names: c.554G>A, p.Gly185Glu (NM_001405661.1, NM_001405662.1, NM_001405663.1 and 1 more transcripts); short protein forms G185E.
Identifiers: ClinVar variation 4532217 (VCV004532217.2).
Genomic context (GRCh38, chr13:112,816,195, plus strand): 5'-TCTTCCTTTCCAGCAACCGGGGAGATGGGACGTGCCACGTCACCACCGCCAGCTTGGATG[G>A]AGAATCCAGCCATAAAGTAAGGGGCCTTTTCATTAGACTCCAGGGCAGGATCTTCCTGTC-3'
Protein context (NP_056020.2, residues 175-195): TCHVTTASLD[Gly185Glu]ESSHKTHYAV